The following is an entry in ClinVar:

NM_004621.6(TRPC6):c.1758G>A (p.Trp586Ter)

Gene: TRPC6 (transient receptor potential cation channel subfamily C member 6; minus strand). Cytogenetic location: 11q22.1.
Variant type: single nucleotide variant.
Coding change: c.1758G>A on transcript NM_004621.6 (MANE Select); coding-DNA position 1758, G replaced by A.
Protein change: p.Trp586Ter; replaces tryptophan 586 with a stop codon.
Molecular consequence: nonsense.
Genome position (GRCh38, 1-based): chr11:101,473,760, C>T on the plus strand (G>A on the coding strand, the complement: TRPC6 is on the minus strand). VCF-style: chr11-101473760-C-T. GRCh37 (hg19) VCF-style: chr11-101344491-C-T.
Other names: c.1410G>A, p.Trp470Ter (NM_001439335.1); short protein forms W470*, W586*.
Identifiers: ClinVar variation 4082534 (VCV004082534.2).
Genomic context (GRCh38, chr11:101,473,760, plus strand): 5'-ACTTAAAACTACAGCAATTGCATAAAGACCTTCAGATATTATTTGAGGATCAGAGGGGTC[C>T]CACTTTATCCTGGCTAGGAAAAAGCAAAGACAAAGAGTTGTGTGAGTTTCTTCAAGTTTT-3'

ClinVar aggregate classification (germline): Likely pathogenic (1 of 4 stars; one submission).

Submission:

Genetic Services Laboratory, University of Chicago
Classification: Likely pathogenic. Last evaluated: 2023-09-30. Review status: criteria provided, single submitter. Criteria: ACMG Guidelines, 2015. Collection method: clinical testing. Allele origin: germline. Affected: yes.
Comment: DNA sequence analysis of the TRPC6 gene demonstrated a sequence change, c.1758G>A, which results in the creation of a premature stop codon at amino acid position 586, p.Trp586*. This likely pathogenic sequence change is predicted to result in an abnormal transcript, which may be degraded, or may lead to the production of a truncated TRPC6 protein with potentially abnormal function. This sequence change has not been described in the population databases such as ExAC and gnomAD. While this sequence change has not previously been described in the literature, other nonsense variants downstream of this sequence change have been identified in individuals with TRPC6-related focal segmental glomerulosclerosis [PMID: 15924139, 33532864]. These collective evidences indicate that this sequence change is likely pathogenic. This sequence change is the most likely cause of this individual's phenotype; however, functional studies have not been performed to prove this conclusively.